The following is an entry in ClinVar:

NM_001164665.2(KIAA1549):c.4568G>A (p.Arg1523Gln)

Gene: KIAA1549 (KIAA1549; minus strand). Cytogenetic location: 7q34.
Variant type: single nucleotide variant.
Coding change: c.4568G>A on transcript NM_001164665.2 (MANE Select); coding-DNA position 4568, G replaced by A.
Protein change: p.Arg1523Gln; replaces arginine 1523 with glutamine.
Molecular consequence: missense variant.
Genome position (GRCh38, 1-based): chr7:138,869,745, C>T on the plus strand (G>A on the coding strand, the complement: KIAA1549 is on the minus strand). VCF-style: chr7-138869745-C-T. GRCh37 (hg19) VCF-style: chr7-138554491-C-T.
Other names: c.4568G>A, p.Arg1523Gln (NM_020910.3); c.4568G>A (NM_001164665.1); short protein forms R1523Q.
Identifiers: ClinVar variation 1036115 (VCV001036115.7), dbSNP rs780742461, ClinGen allele CA4505832.

ClinVar aggregate classification (germline): Uncertain significance. Review status: criteria provided, multiple submitters, no conflicts (2 of 4 stars). 2 submissions from 2 submitters: Uncertain significance (2). Last evaluated 2025-12-08.

Conditions:
Inborn genetic diseases. Identifiers: MedGen C0950123, MeSH D030342.

Allele frequency attached by ClinVar (database versions not stated): ExAC 0.00001; gnomAD 0.00003; gnomAD exomes 0.00001; TOPMed 0.00003.

Submissions (2):

Ambry Genetics
Classification: Uncertain significance for Inborn genetic diseases. Last evaluated: 2025-12-08. Review status: criteria provided, single submitter. Criteria: Ambry Variant Classification Scheme 2023. Collection method: clinical testing. Allele origin: germline.

Labcorp Genetics (formerly Invitae), Labcorp
Classification: Uncertain significance. Last evaluated: 2022-08-09. Review status: criteria provided, single submitter. Criteria: Invitae Variant Classification Sherloc (09022015). Collection method: clinical testing. Allele origin: germline.
Comment: In summary, the available evidence is currently insufficient to determine the role of this variant in disease. Therefore, it has been classified as a Variant of Uncertain Significance. Algorithms developed to predict the effect of missense changes on protein structure and function (SIFT, PolyPhen-2, Align-GVGD) all suggest that this variant is likely to be disruptive. ClinVar contains an entry for this variant (Variation ID: 1036115). This variant has not been reported in the literature in individuals affected with KIAA1549-related conditions. This variant is present in population databases (rs780742461, gnomAD 0.02%). This sequence change replaces arginine, which is basic and polar, with glutamine, which is neutral and polar, at codon 1523 of the KIAA1549 protein (p.Arg1523Gln).